The following is an entry in ClinVar:

ClinVar aggregate classification (germline): Likely benign. Review status: criteria provided, multiple submitters, no conflicts (2 of 4 stars). 4 submissions from 4 submitters: Likely benign (4). Last evaluated 2025-07-28.

Conditions:
Catecholaminergic polymorphic ventricular tachycardia (CVPT). Also called: Catecholamine-induced polymorphic ventricular tachycardia. Identifiers: Orphanet 3286, MedGen C5574922, MONDO:0017990.
Cardiovascular phenotype. Identifiers: MedGen CN230736.
Catecholaminergic polymorphic ventricular tachycardia 1. Also called: VENTRICULAR TACHYCARDIA, CATECHOLAMINERGIC POLYMORPHIC, 1, WITH OR WITHOUT ATRIAL DYSFUNCTION AND/OR DILATED CARDIOMYOPATHY; RYR2-Related Catecholaminergic Polymorphic Ventricular Tachycardia; VENTRICULAR TACHYCARDIA, STRESS-INDUCED POLYMORPHIC 1. Identifiers: Orphanet 3286, MedGen C1631597, MONDO:0011484, OMIM 604772.
Cardiomyopathy (CMYO). Also called: Cardiomyopathies. Identifiers: Orphanet 167848, MedGen C0878544, MONDO:0004994, HP:0001638. Inheritance: Various modes of inheritance.

Allele frequency attached by ClinVar (database versions not stated): gnomAD exomes below 0.00001 and 0.00001; ExAC 0.00001; TOPMed 0.00001.
gnomAD v4.1: 2 of 1,613,372 alleles (0.00012%); highest among the groups gnomAD compares: Admixed American, 0.0033%; no homozygotes.

Submissions (4):

Labcorp Genetics (formerly Invitae), Labcorp
Classification: Likely benign for Catecholaminergic polymorphic ventricular tachycardia 1. Last evaluated: 2025-07-28. Review status: criteria provided, single submitter. Criteria: Invitae Variant Classification Sherloc (09022015). Collection method: clinical testing. Allele origin: germline.

Ambry Genetics
Classification: Likely benign for Cardiovascular phenotype. Last evaluated: 2024-05-22. Review status: criteria provided, single submitter. Criteria: Ambry Variant Classification Scheme 2023. Collection method: clinical testing. Allele origin: germline.

All of Us Research Program, National Institutes of Health
Classification: Likely benign for Catecholaminergic polymorphic ventricular tachycardia. Last evaluated: 2023-09-05. Review status: criteria provided, single submitter. Criteria: ACMG Guidelines, 2015. Collection method: clinical testing. Allele origin: germline. Inheritance: Autosomal dominant inheritance. Observed: 2 variant alleles, 2 heterozygotes.
Comment: This study involves interpretation of variants in research participants for the purpose of population health screening. Participant phenotype was not available at the time of variant classification. Additional details can be found in publication PMID: 35346344, PMCID: PMC8962531

Color Diagnostics, LLC DBA Color Health
Classification: Likely benign for Cardiomyopathy. Last evaluated: 2019-01-27. Review status: criteria provided, single submitter. Criteria: ACMG Guidelines, 2015. Collection method: clinical testing. Allele origin: germline.

NM_001035.3(RYR2):c.4791C>T (p.Ser1597=)

Gene: RYR2 (ryanodine receptor 2; plus strand). Cytogenetic location: 1q43.
Variant type: single nucleotide variant.
Coding change: c.4791C>T on transcript NM_001035.3 (MANE Select); coding-DNA position 4791, C replaced by T.
Protein change: p.Ser1597=; no amino-acid change (serine 1597 retained).
Molecular consequence: synonymous variant.
Genome position (GRCh38, 1-based): chr1:237,610,869, C>T. VCF-style: chr1-237610869-C-T. GRCh37 (hg19) VCF-style: chr1-237774169-C-T.
Other names: c.4791C>T (NM_001035.2).
Identifiers: ClinVar variation 923553 (VCV000923553.14), dbSNP rs766910108, ClinGen allele CA086736.